The following is an entry in ClinVar:

ClinVar aggregate classification (germline): Uncertain significance (1 of 4 stars; one submission).

Submission:

Women's Health and Genetics/Laboratory Corporation of America, LabCorp
Classification: Uncertain significance. Last evaluated: 2024-09-27. Review status: criteria provided, single submitter. Criteria: LabCorp Variant Classification Summary - May 2015. Collection method: clinical testing. Allele origin: germline.
Comment: Variant summary: CYP11B1 c.895C>A (p.Leu299Met) results in a conservative amino acid change in the encoded protein sequence. Five of five in-silico tools predict a benign effect of the variant on protein function. The variant was absent in 251434 control chromosomes. The available data on variant occurrences in the general population are insufficient to allow any conclusion about variant significance. To our knowledge, no occurrence of c.895C>A in individuals affected with Congenital Adrenal Hyperplasia and no experimental evidence demonstrating its impact on protein function have been reported. No submitters have cited clinical-significance assessments for this variant to ClinVar. Based on the evidence outlined above, the variant was classified as uncertain significance.

NM_000497.4(CYP11B1):c.895C>A (p.Leu299Met)

Genes: CYP11B1 (cytochrome P450 family 11 subfamily B member 1; minus strand), LOC106799833 (CYP11B1 recombination region; plus strand). Cytogenetic location: 8q24.3.
Variant type: single nucleotide variant.
Coding change: c.895C>A on transcript NM_000497.4 (MANE Select); coding-DNA position 895, C replaced by A.
Protein change: p.Leu299Met; replaces leucine 299 with methionine.
Molecular consequence: missense variant.
Genome position (GRCh38, 1-based): chr8:142,876,300, G>T on the plus strand (C>A on the coding strand, the complement: CYP11B1 is on the minus strand). VCF-style: chr8-142876300-G-T. GRCh37 (hg19) VCF-style: chr8-143957716-G-T.
Other names: c.895C>A, p.Leu299Met (NM_001026213.1); short protein forms L299M.
Identifiers: ClinVar variation 3375147 (VCV003375147.1).